The following is an entry in ClinVar:

ClinVar aggregate classification (germline): Uncertain significance (1 of 4 stars; one submission).

Submission:

Women's Health and Genetics/Laboratory Corporation of America, LabCorp
Classification: Uncertain significance. Last evaluated: 2021-05-24. Review status: criteria provided, single submitter. Criteria: LabCorp Variant Classification Summary - May 2015. Collection method: clinical testing. Allele origin: germline.
Comment: Variant summary: DSP c.6160G>T (p.Ala2054Ser) results in a conservative amino acid change in the encoded protein sequence. Three of five in-silico tools predict a damaging effect of the variant on protein function. The variant was absent in 250610 control chromosomes (gnomAD). The available data on variant occurrences in the general population are insufficient to allow any conclusion about variant significance. To our knowledge, no occurrence of c.6160G>T in individuals affected with Arrhythmogenic Right Ventricular Dysplasia/Cardiomyopathy and no experimental evidence demonstrating its impact on protein function have been reported. No clinical diagnostic laboratories have submitted clinical-significance assessments for this variant to ClinVar after 2014. Based on the evidence outlined above, the variant was classified as uncertain significance.

NM_004415.4(DSP):c.6160G>T (p.Ala2054Ser)

Gene: DSP (desmoplakin; plus strand). Cytogenetic location: 6p24.3.
Variant type: single nucleotide variant.
Coding change: c.6160G>T on transcript NM_004415.4 (MANE Select); coding-DNA position 6160, G replaced by T.
Protein change: p.Ala2054Ser; replaces alanine 2054 with serine.
Molecular consequence: missense variant.
Genome position (GRCh38, 1-based): chr6:7,583,422, G>T. VCF-style: chr6-7583422-G-T. GRCh37 (hg19) VCF-style: chr6-7583655-G-T.
Other names: c.4363G>T, p.Ala1455Ser (NM_001008844.3); c.4831G>T, p.Ala1611Ser (NM_001319034.2); short protein forms A1455S, A1611S, A2054S.
Identifiers: ClinVar variation 1172845 (VCV001172845.1), dbSNP rs1759517531, ClinGen allele CA362690209.